The following is an entry in ClinVar:

ClinVar aggregate classification (germline): Conflicting classifications of pathogenicity. Review status: criteria provided, conflicting classifications (1 of 4 stars). 5 submissions from 5 submitters: Uncertain significance (4); Likely benign (1). Last evaluated 2025-12-23.

Conditions:
Hereditary cancer-predisposing syndrome. Also called: Hereditary neoplastic syndrome; Neoplastic Syndromes, Hereditary; Tumor predisposition; Hereditary Cancer Syndrome. Identifiers: Orphanet 140162, MedGen C0027672, MeSH D009386, MONDO:0015356.
Global developmental delay - lung cysts - overgrowth - Wilms tumor syndrome. Also called: GLOW Syndrome; GLOBAL DEVELOPMENTAL DELAY, LUNG CYSTS, OVERGROWTH, AND WILMS TUMOR. Identifiers: Orphanet 404476, MedGen C4748924, MONDO:0018445, OMIM 618272.
DICER1-related tumor predisposition. Also called: DICER1-related pleuropulmonary blastoma cancer predisposition syndrome; DICER1 syndrome. Identifiers: Orphanet 284343, MedGen C3839822, MONDO:0100216.

Allele frequency attached by ClinVar (database versions not stated): gnomAD 0.00001 and 0.00002; ExAC 0.00004; gnomAD exomes 0.00004; TOPMed 0.00005; ESP Exome Variant Server 0.00008.
gnomAD v4.1: 37 of 1,614,144 alleles (0.0023%); highest among the groups gnomAD compares: East Asian, 0.013%; no homozygotes.

Submissions (5):

Labcorp Genetics (formerly Invitae), Labcorp
Classification: Likely benign for DICER1-related tumor predisposition. Last evaluated: 2025-12-23. Review status: criteria provided, single submitter. Criteria: Invitae Variant Classification Sherloc (09022015). Collection method: clinical testing. Allele origin: germline.

Quest Diagnostics Nichols Institute San Juan Capistrano
Classification: Uncertain significance. Last evaluated: 2025-01-03. Review status: criteria provided, single submitter. Criteria: Quest Diagnostics criteria. Collection method: clinical testing. Allele origin: unknown.
Comment: The DICER1 c.4820G>A (p.Arg1607Gln) variant has not been reported in individuals with DICER1-related conditions in the published literature. The frequency of this variant in the general population (Genome Aggregation Database) is higher than would generally be expected for pathogenic variants in this gene. Analysis of this variant using bioinformatics tools for the prediction of the effect of amino acid changes on protein structure and function yielded predictions that this variant is benign. Based on the available information, we are unable to determine the clinical significance of this variant.

Ambry Genetics
Classification: Uncertain significance for Hereditary cancer-predisposing syndrome. Last evaluated: 2024-11-10. Review status: criteria provided, single submitter. Criteria: Ambry Variant Classification Scheme 2023. Collection method: clinical testing. Allele origin: germline.

GeneDx
Classification: Uncertain significance. Last evaluated: 2024-06-14. Review status: criteria provided, single submitter. Criteria: GeneDx Variant Classification Process June 2021. Collection method: clinical testing. Allele origin: germline. Affected: yes.
Comment: In silico analysis indicates that this missense variant does not alter protein structure/function; Has not been previously published as pathogenic or benign to our knowledge

Baylor Genetics
Classification: Uncertain significance for Global developmental delay - lung cysts - overgrowth - Wilms tumor syndrome. Last evaluated: 2023-04-03. Review status: criteria provided, single submitter. Criteria: ACMG Guidelines, 2015. Collection method: clinical testing. Allele origin: unknown.

NM_177438.3(DICER1):c.4820G>A (p.Arg1607Gln)

Gene: DICER1 (dicer 1, ribonuclease III; minus strand). Cytogenetic location: 14q32.13.
Variant type: single nucleotide variant.
Coding change: c.4820G>A on transcript NM_177438.3 (MANE Select); coding-DNA position 4820, G replaced by A.
Protein change: p.Arg1607Gln; replaces arginine 1607 with glutamine.
Molecular consequence: missense variant.
Genome position (GRCh38, 1-based): chr14:95,096,100, C>T on the plus strand (G>A on the coding strand, the complement: DICER1 is on the minus strand). VCF-style: chr14-95096100-C-T. GRCh37 (hg19) VCF-style: chr14-95562437-C-T.
Other names: c.4820G>A, p.Arg1607Gln (NM_001195573.1, NM_001271282.3, NM_001291628.2 and 1 more transcripts); short protein forms R1607Q.
Identifiers: ClinVar variation 412153 (VCV000412153.18), dbSNP rs368963384, ClinGen allele CA7330790.